The following is an entry in ClinVar:

ClinVar aggregate classification (germline): Uncertain significance. Review status: criteria provided, multiple submitters, no conflicts (2 of 4 stars). 3 submissions from 3 submitters: Uncertain significance (3). Last evaluated 2026-01-26.

Conditions:
Fanconi anemia complementation group J. Also called: BRIP1-Related Fanconi Anemia. Identifiers: Orphanet 84, MedGen C1836860, MONDO:0012187, OMIM 609054.
Familial cancer of breast. Also called: hereditary breast carcinoma; BREAST CANCER, FAMILIAL; Hereditary breast cancer. Identifiers: Orphanet 227535, MedGen C0346153, MONDO:0016419, OMIM 114480. Disease mechanism: loss of function.
Hereditary cancer-predisposing syndrome. Also called: Hereditary neoplastic syndrome; Tumor predisposition; Hereditary Cancer Syndrome; Neoplastic Syndromes, Hereditary. Identifiers: Orphanet 140162, MedGen C0027672, MeSH D009386, MONDO:0015356.

Allele frequency attached by ClinVar (database versions not stated): gnomAD exomes below 0.00001; TOPMed below 0.00001.
gnomAD v4.1: 4 of 1,613,298 alleles (0.00025%); highest among the groups gnomAD compares: African/African-American, 0.0013%; no homozygotes.

Submissions (3):

Labcorp Genetics (formerly Invitae), Labcorp
Classification: Uncertain significance for Familial cancer of breast; Fanconi anemia complementation group J. Last evaluated: 2026-01-26. Review status: criteria provided, single submitter. Criteria: Invitae Variant Classification Sherloc (09022015). Collection method: clinical testing. Allele origin: germline.
Comment: This sequence change replaces threonine, which is neutral and polar, with isoleucine, which is neutral and non-polar, at codon 1216 of the BRIP1 protein (p.Thr1216Ile). This variant is not present in population databases (gnomAD no frequency). This missense change has been observed in individual(s) with BRIP1-related conditions (PMID: 34326862). ClinVar contains an entry for this variant (Variation ID: 578293). Invitae Evidence Modeling of protein sequence and biophysical properties (such as structural, functional, and spatial information, amino acid conservation, physicochemical variation, residue mobility, and thermodynamic stability) indicates that this missense variant is not expected to disrupt BRIP1 protein function with a negative predictive value of 95%. In summary, the available evidence is currently insufficient to determine the role of this variant in disease. Therefore, it has been classified as a Variant of Uncertain Significance.

Ambry Genetics
Classification: Uncertain significance for Hereditary cancer-predisposing syndrome. Last evaluated: 2025-06-29. Review status: criteria provided, single submitter. Criteria: Ambry Variant Classification Scheme 2023. Collection method: clinical testing. Allele origin: germline.
Comment: The p.T1216I variant (also known as c.3647C>T), located in coding exon 19 of the BRIP1 gene, results from a C to T substitution at nucleotide position 3647. The threonine at codon 1216 is replaced by isoleucine, an amino acid with similar properties. This amino acid position is well conserved in available vertebrate species. In addition, this alteration is predicted to be tolerated by in silico analysis. Since supporting evidence is limited at this time, the clinical significance of this alteration remains unclear.

Fulgent Genetics
Classification: Uncertain significance for Familial cancer of breast; Fanconi anemia complementation group J. Last evaluated: 2024-02-14. Review status: criteria provided, single submitter. Criteria: ACMG Guidelines, 2015. Collection method: clinical testing. Allele origin: germline.

Literature cited by the submitters: PubMed 34326862 (cited by Labcorp Genetics (formerly Invitae), Labcorp).

NM_032043.3(BRIP1):c.3647C>T (p.Thr1216Ile)

Gene: BRIP1 (BRCA1 interacting DNA helicase 1; minus strand). Cytogenetic location: 17q23.2.
Variant type: single nucleotide variant.
Coding change: c.3647C>T on transcript NM_032043.3 (MANE Select); coding-DNA position 3647, C replaced by T.
Protein change: p.Thr1216Ile; replaces threonine 1216 with isoleucine.
Molecular consequence: missense variant.
Genome position (GRCh38, 1-based): chr17:61,683,399, G>A on the plus strand (C>T on the coding strand, the complement: BRIP1 is on the minus strand). VCF-style: chr17-61683399-G-A. GRCh37 (hg19) VCF-style: chr17-59760760-G-A.
Other names: short protein forms T1216I.
Identifiers: ClinVar variation 578293 (VCV000578293.16), dbSNP rs1567727417, ClinGen allele CA400477908.